The following is an entry in ClinVar:

NM_000228.3(LAMB3):c.1A>T (p.Met1Leu)

Gene: LAMB3 (laminin subunit beta 3; minus strand). Cytogenetic location: 1q32.2.
Variant type: single nucleotide variant.
Coding change: c.1A>T on transcript NM_000228.3 (MANE Select); coding-DNA position 1, A replaced by T.
Protein change: p.Met1Leu; changes the start codon (methionine 1).
Molecular consequence: missense variant, initiator codon variant.
Genome position (GRCh38, 1-based): chr1:209,650,944, T>A on the plus strand (A>T on the coding strand, the complement: LAMB3 is on the minus strand). VCF-style: chr1-209650944-T-A. GRCh37 (hg19) VCF-style: chr1-209824289-T-A.
Other names: c.1A>T, p.Met1Leu (NM_001017402.2, NM_001127641.1); short protein forms M1L.
Identifiers: ClinVar variation 1339239 (VCV001339239.3), dbSNP rs2102467762, ClinGen allele CA344566482.
Genomic context (GRCh38, chr1:209,650,944, plus strand): 5'-ACAGGGCCTGGAAGGATGGGAAGGGGTACTTACCAAAACACAAGAGGAAGAATGGTCTCA[T>A]CTTCAGCCAATGGGGTGATCCCCAGAAAGGACCTTTCCTAGGACACAGCAAAGCAAACTG-3'
Protein context (NP_000219.2, residues 1-11): [Met1Leu]RPFFLLCFAL

ClinVar aggregate classification (germline): Likely pathogenic (1 of 4 stars; one submission).

Conditions:
Junctional epidermolysis bullosa gravis of Herlitz. Also called: EPIDERMOLYSIS BULLOSA JUNCTIONALIS, HERLITZ TYPE; EPIDERMOLYSIS BULLOSA, JUNCTIONAL, HERLITZ-PEARSON TYPE; Epidermolysis Bullosa Letalis; Herlitz-type junctional epidermolysis bullosa; EPIDERMOLYSIS BULLOSA, JUNCTIONAL 1B, SEVERE; JEB-HERLITZ TYPE. Identifiers: Orphanet 79404, MedGen C0079683, MONDO:0009182, OMIM 226700.

Submission:

Neuberg Centre For Genomic Medicine, NCGM
Classification: Likely pathogenic for Junctional epidermolysis bullosa gravis of Herlitz. Review status: criteria provided, single submitter. Criteria: ACMG Guidelines, 2015. Collection method: clinical testing. Allele origin: germline. Affected: yes.
Comment: The initiator codon variant p.M1L in LAMB3 (NM_000228.3) has not been reported previously as a pathogenic variant nor as a benign variant, to our knowledge. The p.M1L variant is novel (not in any individuals) in gnomAD Exomes and is novel (not in any individuals) in 1000 Genomes. The LAMB3 is a start loss variant and hence is expected to affect protein processing. Loss of function variants have been previously reported to be disease causing. Hence the above variant has been classified as Likely Pathogenic.